The following is an entry in ClinVar:

ClinVar aggregate classification (germline): Pathogenic. Review status: criteria provided, single submitter (1 of 4 stars). 2 submissions from 2 submitters: Pathogenic (1). 1 of the submissions does not count toward it. Last evaluated 2023-01-21.

Conditions:
PEX12-related disorder. Also called: PEX12-related disorders; PEX12-related condition.
Peroxisome biogenesis disorder 3A (Zellweger). Also called: PEROXISOMAL BIOGENESIS DISORDER 3A (ZELLWEGER); Peroxisome biogenesis disorder 3A. Identifiers: Orphanet 912, MedGen C3553929, MONDO:0013927, OMIM 614859.

Submissions (2):

Labcorp Genetics (formerly Invitae), Labcorp
Classification: Pathogenic for Peroxisome biogenesis disorder 3A (Zellweger). Last evaluated: 2023-01-21. Review status: criteria provided, single submitter. Criteria: Invitae Variant Classification Sherloc (09022015). Collection method: clinical testing. Allele origin: germline.
Comment: For these reasons, this variant has been classified as Pathogenic. This variant has not been reported in the literature in individuals affected with PEX12-related conditions. This variant is not present in population databases (gnomAD no frequency). This sequence change creates a premature translational stop signal (p.Ser190*) in the PEX12 gene. It is expected to result in an absent or disrupted protein product. Loss-of-function variants in PEX12 are known to be pathogenic (PMID: 9090384, 9632816, 21031596).

PreventionGenetics, part of Exact Sciences
Classification: Likely pathogenic for PEX12-related condition. Last evaluated: 2024-01-04. Review status: no assertion criteria provided. Collection method: clinical testing. Allele origin: germline. Not counted in ClinVar's aggregate classification.
Comment: The PEX12 c.569C>G variant is predicted to result in premature protein termination (p.Ser190*). To our knowledge, this variant has not been reported in the literature or in a large population database, indicating this variant is rare. Nonsense variants in PEX12 are expected to be pathogenic. This variant is interpreted as likely pathogenic.

Literature cited by the submitters: PubMed 9090384 (cited by Labcorp Genetics (formerly Invitae), Labcorp); PubMed 9632816 (cited by Labcorp Genetics (formerly Invitae), Labcorp); PubMed 21031596 (cited by Labcorp Genetics (formerly Invitae), Labcorp).

NM_000286.3(PEX12):c.569C>G (p.Ser190Ter)

Gene: PEX12 (peroxisomal biogenesis factor 12; minus strand). Cytogenetic location: 17q12.
Variant type: single nucleotide variant.
Coding change: c.569C>G on transcript NM_000286.3 (MANE Select); coding-DNA position 569, C replaced by G.
Protein change: p.Ser190Ter; replaces serine 190 with a stop codon.
Molecular consequence: nonsense.
Genome position (GRCh38, 1-based): chr17:35,577,149, G>C on the plus strand (C>G on the coding strand, the complement: PEX12 is on the minus strand). VCF-style: chr17-35577149-G-C. GRCh37 (hg19) VCF-style: chr17-33904168-G-C.
Other names: c.569C>G (NM_000286.2); short protein forms S190*.
Identifiers: ClinVar variation 2830754 (VCV002830754.5), dbSNP rs2509169676, ClinGen allele CA399137843.
Genomic context (GRCh38, chr17:35,577,149, plus strand): 5'-GCTTGTATATCCTGAACTGTCAGTCGACCTAGCTGAACTCCAGCCAGCCTCAGCAGTGGT[G>C]AGTGATGCTGAGCTTTTCCTAGGATGTATCGAAGTTGTTGTACAAGAAACCATCCTTCCC-3'